The following is an entry in ClinVar:

NM_001852.4(COL9A2):c.471+6T>C

Gene: COL9A2 (collagen type IX alpha 2 chain; minus strand). Cytogenetic location: 1p34.2.
Variant type: single nucleotide variant.
Coding change: c.471+6T>C on transcript NM_001852.4 (MANE Select); 6 bases into the intron after coding-DNA position 471, T replaced by C.
Molecular consequence: intron variant.
Genome position (GRCh38, 1-based): chr1:40,311,656, A>G on the plus strand (T>C on the coding strand, the complement: COL9A2 is on the minus strand). VCF-style: chr1-40311656-A-G. GRCh37 (hg19) VCF-style: chr1-40777328-A-G.
Identifiers: ClinVar variation 2010197 (VCV002010197.4), dbSNP rs1279101181, ClinGen allele CA522416053.
Genomic context (GRCh38, chr1:40,311,656, plus strand): 5'-AGGCTTGCTCAAAGACCCTTCTCCTTCCCCTGCACTTTGCCATGTCGGGGGTCTGGGGAC[A>G]CTTACAGGTTTCCCAGGGGGTCCTGGGGGCCCCGATGGTCCATCTGGTCCAGGGTCCCCC-3'

ClinVar aggregate classification (germline): Uncertain significance (1 of 4 stars; one submission).

Allele frequency attached by ClinVar (database versions not stated): gnomAD exomes below 0.00001.
gnomAD v4.1: 1 of 1,613,670 alleles (0.000062%); no homozygotes.

Submission:

Labcorp Genetics (formerly Invitae), Labcorp
Classification: Uncertain significance. Last evaluated: 2022-06-24. Review status: criteria provided, single submitter. Criteria: Invitae Variant Classification Sherloc (09022015). Collection method: clinical testing. Allele origin: germline.
Comment: In summary, the available evidence is currently insufficient to determine the role of this variant in disease. Therefore, it has been classified as a Variant of Uncertain Significance. Variants that disrupt the consensus splice site are a relatively common cause of aberrant splicing (PMID: 17576681, 9536098). Algorithms developed to predict the effect of sequence changes on RNA splicing suggest that this variant is not likely to affect RNA splicing. This variant has not been reported in the literature in individuals affected with COL9A2-related conditions. This variant is present in population databases (no rsID available, gnomAD 0.004%). This sequence change falls in intron 9 of the COL9A2 gene. It does not directly change the encoded amino acid sequence of the COL9A2 protein. It affects a nucleotide within the consensus splice site.

Literature cited by the submitters: PubMed 17576681; PubMed 9536098.